The following is an entry in ClinVar:

ClinVar aggregate classification (germline): Likely benign. Review status: criteria provided, multiple submitters, no conflicts (2 of 4 stars). 6 submissions from 6 submitters: Likely benign (5). 1 of the submissions does not count toward it. Last evaluated 2025-12-29.

Conditions:
POLE-related disorder. Also called: POLE-related disorders; POLE-related condition.
Hereditary cancer-predisposing syndrome. Also called: Tumor predisposition; Neoplastic Syndromes, Hereditary; Hereditary neoplastic syndrome; Hereditary Cancer Syndrome. Identifiers: Orphanet 140162, MedGen C0027672, MeSH D009386, MONDO:0015356.

Allele frequency attached by ClinVar (database versions not stated): TOPMed 0.00002; gnomAD 0.00003; ESP Exome Variant Server 0.00008.
gnomAD v4.1: 21 of 1,614,000 alleles (0.0013%); highest among the groups gnomAD compares: Non-Finnish European, 0.0017%; no homozygotes.

Submissions (6):

Center for Genomic Medicine, Rigshospitalet, Copenhagen University Hospital
Classification: Likely benign. Last evaluated: 2025-12-29. Review status: criteria provided, single submitter. Criteria: ACMG Guidelines, 2015. Collection method: clinical testing. Allele origin: germline.

Labcorp Genetics (formerly Invitae), Labcorp
Classification: Likely benign. Last evaluated: 2025-11-18. Review status: criteria provided, single submitter. Criteria: Invitae Variant Classification Sherloc (09022015). Collection method: clinical testing. Allele origin: germline.

Blueprint Genetics
Classification: Likely benign. Last evaluated: 2024-01-22. Review status: criteria provided, single submitter. Criteria: ACMG Guidelines, 2015. Collection method: clinical testing. Allele origin: germline.

GeneDx
Classification: Likely benign. Last evaluated: 2019-11-19. Review status: criteria provided, single submitter. Criteria: GeneDx Variant Classification Process June 2021. Collection method: clinical testing. Allele origin: germline. Affected: yes.

Ambry Genetics
Classification: Likely benign for Hereditary cancer-predisposing syndrome. Last evaluated: 2016-05-02. Review status: criteria provided, single submitter. Criteria: Ambry Variant Classification Scheme 2023. Collection method: clinical testing. Allele origin: germline.

PreventionGenetics, part of Exact Sciences
Classification: Likely benign for POLE-related condition. Last evaluated: 2020-07-01. Review status: no assertion criteria provided. Collection method: clinical testing. Allele origin: germline. Not counted in ClinVar's aggregate classification.
Comment: This variant is classified as likely benign based on ACMG/AMP sequence variant interpretation guidelines (Richards et al. 2015 PMID: 25741868, with internal and published modifications).

NM_006231.4(POLE):c.510C>A (p.Ile170=)

Gene: POLE (DNA polymerase epsilon, catalytic subunit; minus strand). Cytogenetic location: 12q24.33.
Variant type: single nucleotide variant.
Coding change: c.510C>A on transcript NM_006231.4 (MANE Select); coding-DNA position 510, C replaced by A.
Protein change: p.Ile170=; no amino-acid change (isoleucine 170 retained).
Molecular consequence: synonymous variant.
Genome position (GRCh38, 1-based): chr12:132,679,565, G>T on the plus strand (C>A on the coding strand, the complement: POLE is on the minus strand). VCF-style: chr12-132679565-G-T. GRCh37 (hg19) VCF-style: chr12-133256151-G-T.
Identifiers: ClinVar variation 383712 (VCV000383712.21), dbSNP rs374074035, ClinGen allele CA6894299.
Genomic context (GRCh38, chr12:132,679,565, plus strand): 5'-CAGAGCTGTGTACGCGTCGCTGGCGTGATCCTGCTCCCTGTTCTTCTTCACGGCAGGGGA[G>T]ATCTCCTTCCTCACTTTGACAAGATCCTCCACAGTGTGGAAGGACAGCCTGATGTAATTT-3'
Protein context (NP_006222.2, residues 160-180): VEDLVKVRKE[Ile170=]SPAVKKNREQ